The following is an entry in ClinVar:

NM_001852.4(COL9A2):c.1121C>T (p.Pro374Leu)

Gene: COL9A2 (collagen type IX alpha 2 chain; minus strand). Cytogenetic location: 1p34.2.
Variant type: single nucleotide variant.
Coding change: c.1121C>T on transcript NM_001852.4 (MANE Select); coding-DNA position 1121, C replaced by T.
Protein change: p.Pro374Leu; replaces proline 374 with leucine.
Molecular consequence: missense variant.
Genome position (GRCh38, 1-based): chr1:40,304,834, G>A on the plus strand (C>T on the coding strand, the complement: COL9A2 is on the minus strand). VCF-style: chr1-40304834-G-A. GRCh37 (hg19) VCF-style: chr1-40770506-G-A.
Other names: short protein forms P374L.
Identifiers: ClinVar variation 3677100 (VCV003677100.3).

ClinVar aggregate classification (germline): Uncertain significance. Review status: criteria provided, multiple submitters, no conflicts (2 of 4 stars). 2 submissions from 2 submitters: Uncertain significance (2). Last evaluated 2024-03-13.

gnomAD v4.1: 7 of 1,550,706 alleles (0.00045%); highest among the groups gnomAD compares: East Asian, 0.0098%; no homozygotes.

Submissions (2):

Labcorp Genetics (formerly Invitae), Labcorp
Classification: Uncertain significance. Last evaluated: 2024-03-13. Review status: criteria provided, single submitter. Criteria: Invitae Variant Classification Sherloc (09022015). Collection method: clinical testing. Allele origin: germline.
Comment: This sequence change replaces proline, which is neutral and non-polar, with leucine, which is neutral and non-polar, at codon 374 of the COL9A2 protein (p.Pro374Leu). This variant is present in population databases (no rsID available, gnomAD 0.02%). This variant has not been reported in the literature in individuals affected with COL9A2-related conditions. Advanced modeling of protein sequence and biophysical properties (such as structural, functional, and spatial information, amino acid conservation, physicochemical variation, residue mobility, and thermodynamic stability) performed at Invitae indicates that this missense variant is not expected to disrupt COL9A2 protein function with a negative predictive value of 95%. In summary, the available evidence is currently insufficient to determine the role of this variant in disease. Therefore, it has been classified as a Variant of Uncertain Significance.

Blueprint Genetics
Classification: Uncertain significance. Last evaluated: 2019-07-23. Review status: criteria provided, single submitter. Criteria: ACMG Guidelines, 2015. Collection method: clinical testing. Allele origin: germline.